The following is an entry in ClinVar:

ClinVar aggregate classification (germline): Pathogenic/Likely pathogenic. Review status: criteria provided, multiple submitters, no conflicts (2 of 4 stars). 3 submissions from 3 submitters: Pathogenic (1); Likely pathogenic (2). Last evaluated 2026-04-27.

Conditions:
Cardiovascular phenotype. Identifiers: MedGen CN230736.
Hypertrophic cardiomyopathy. Also called: HYPERTROPHIC MYOCARDIOPATHY. Identifiers: Orphanet 217569, MedGen C0007194, MeSH D002312, MONDO:0005045, HP:0001639.
Cardiomyopathy (CMYO). Also called: Cardiomyopathies. Identifiers: Orphanet 167848, MedGen C0878544, MONDO:0004994, HP:0001638. Inheritance: Various modes of inheritance.

Submissions (3):

Ambry Genetics
Classification: Likely pathogenic for Cardiovascular phenotype. Last evaluated: 2026-04-27. Review status: criteria provided, single submitter. Criteria: Ambry Variant Classification Scheme 2023. Collection method: clinical testing. Allele origin: germline.
Comment: The p.V406M variant (also known as c.1216G>A), located in coding exon 11 of the MYH7 gene, results from a G to A substitution at nucleotide position 1216. The valine at codon 406 is replaced by methionine, an amino acid with highly similar properties. This variant is located in the myosin head domain, which contains a statistically significant clustering of pathogenic missense variants (Homburger JR et al. Proc Natl Acad Sci U S A, 2016 06;113:6701-6; Walsh R et al. Genet Med, 2017 02;19:192-203; Ambry internal data). This variant was identified in one or more individuals with features consistent with hypertrophic cardiomyopathy and segregated with disease in at least one family (Greber-Platzer S et al. J Mol Cell Cardiol, 2001 Jan;33:141-8; Walsh R et al. Genet Med, 2017 Feb;19:192-203; Norrish G et al. Circulation, 2019 Jul;140:184-192; Phan PD et al. JRSM Cardiovasc Dis, 2024 Jan;13:20480040231220100; Ambry internal data; external communications). This variant is considered to be rare based on population cohorts in the Genome Aggregation Database (gnomAD). This amino acid position is highly conserved in available vertebrate species. In addition, this alteration is predicted to be deleterious by in silico analysis. Based on the majority of available evidence to date, this variant is likely to be pathogenic.

Labcorp Genetics (formerly Invitae), Labcorp
Classification: Pathogenic for Hypertrophic cardiomyopathy. Last evaluated: 2024-06-19. Review status: criteria provided, single submitter. Criteria: Invitae Variant Classification Sherloc (09022015). Collection method: clinical testing. Allele origin: germline.
Comment: This sequence change replaces valine, which is neutral and non-polar, with methionine, which is neutral and non-polar, at codon 406 of the MYH7 protein (p.Val406Met). This variant is not present in population databases (gnomAD no frequency). This missense change has been observed in individuals with autosomal dominant hypertrophic cardiomyopathy (PMID: 11133230, 27532257, 31006259; Invitae). It has also been observed to segregate with disease in related individuals. ClinVar contains an entry for this variant (Variation ID: 1329400). Advanced modeling of protein sequence and biophysical properties (such as structural, functional, and spatial information, amino acid conservation, physicochemical variation, residue mobility, and thermodynamic stability) performed at Invitae indicates that this missense variant is expected to disrupt MYH7 protein function with a positive predictive value of 95%. For these reasons, this variant has been classified as Pathogenic.

CHEO Genetics Diagnostic Laboratory, Children's Hospital of Eastern Ontario
Classification: Likely pathogenic for Cardiomyopathy. Last evaluated: 2021-05-04. Review status: criteria provided, single submitter. Criteria: ACMG Guidelines, 2015. Collection method: clinical testing. Allele origin: germline.

Literature cited by the submitters: PubMed 11133230 (cited by Ambry Genetics and Labcorp Genetics (formerly Invitae), Labcorp); PubMed 27532257 (cited by Ambry Genetics and Labcorp Genetics (formerly Invitae), Labcorp); PubMed 31006259 (cited by Ambry Genetics and Labcorp Genetics (formerly Invitae), Labcorp); PubMed 38186735 (cited by Ambry Genetics).

NM_000257.4(MYH7):c.1216G>A (p.Val406Met)

Gene: MYH7 (myosin heavy chain 7; minus strand). Cytogenetic location: 14q11.2.
Variant type: single nucleotide variant.
Coding change: c.1216G>A on transcript NM_000257.4 (MANE Select); coding-DNA position 1216, G replaced by A.
Protein change: p.Val406Met; replaces valine 406 with methionine.
Molecular consequence: missense variant.
Genome position (GRCh38, 1-based): chr14:23,429,270, C>T on the plus strand (G>A on the coding strand, the complement: MYH7 is on the minus strand). VCF-style: chr14-23429270-C-T. GRCh37 (hg19) VCF-style: chr14-23898479-C-T.
Other names: short protein forms V406M.
Identifiers: ClinVar variation 1329400 (VCV001329400.8), dbSNP rs1422611896, ClinGen allele CA389051106.